The following is an entry in ClinVar:

NM_001375765.1(GIGYF1):c.79C>T (p.Pro27Ser)

Gene: GIGYF1 (GRB10 interacting GYF protein 1; minus strand). Cytogenetic location: 7q22.1.
Variant type: single nucleotide variant.
Coding change: c.79C>T on transcript NM_001375765.1 (MANE Select); coding-DNA position 79, C replaced by T.
Protein change: p.Pro27Ser; replaces proline 27 with serine.
Molecular consequence: missense variant. On other transcripts: non-coding transcript variant (1).
Genome position (GRCh38, 1-based): chr7:100,688,067, G>A on the plus strand (C>T on the coding strand, the complement: GIGYF1 is on the minus strand). VCF-style: chr7-100688067-G-A. GRCh37 (hg19) VCF-style: chr7-100285690-G-A.
Other names: NM_022574.4:c.79C>T; c.79C>T, p.Pro27Ser (NM_001375759.1, NM_001375760.1, NM_001375761.1 and 6 more transcripts); short protein forms P27S.
Identifiers: ClinVar variation 3349651 (VCV003349651.1).
Genomic context (GRCh38, chr7:100,688,067, plus strand): 5'-GCATTTCCTCTCGCCCATAACGGTAGTCAGCCAGCTTGTATTTGGGCATGGCAGGGGACG[G>A]GGGTGGGGAGGCCACGCTGCCGCCCCCGGACAGGGCCCTGAGCCTGGACACAACACAGAG-3'
Protein context (NP_001362694.1, residues 17-37): SGGGSVASPP[Pro27Ser]SPAMPKYKLA

ClinVar aggregate classification (germline): Uncertain significance (0 of 4 stars; one submission).

Conditions:
GIGYF1-related disorder. Also called: GIGYF1-related condition.

gnomAD v4.1: 1 of 1,612,692 alleles (0.000062%); highest among the groups gnomAD compares: East Asian, 0.0022%; no homozygotes.

Submission:

PreventionGenetics, part of Exact Sciences
Classification: Uncertain significance for GIGYF1-related condition. Last evaluated: 2024-04-04. Review status: no assertion criteria provided. Collection method: clinical testing. Allele origin: germline.
Comment: The GIGYF1 c.79C>T variant is predicted to result in the amino acid substitution p.Pro27Ser. To our knowledge, this variant has not been reported in the literature. This variant is reported in 0.00089% of alleles in individuals of European (Non-Finnish) descent in gnomAD. At this time, the clinical significance of this variant is uncertain due to the absence of conclusive functional and genetic evidence.